The following is an entry in ClinVar:

ClinVar aggregate classification (germline): Uncertain significance (1 of 4 stars; one submission).

Conditions:
Essential hypertension, genetic (EHT). Identifiers: MedGen CN305331, MONDO:0007781, OMIM 145500.

gnomAD v4.1: 5 of 1,614,134 alleles (0.00031%); highest among the groups gnomAD compares: East Asian, 0.011%; no homozygotes.

Submission:

Juno Genomics, Hangzhou Juno Genomics, Inc
Classification: Uncertain significance for Essential hypertension, genetic. Review status: criteria provided, single submitter. Criteria: ACMG Guidelines, 2015. Collection method: clinical testing. Allele origin: germline.
Comment: Absent from controls (or at extremely low frequency if recessive) in Genome Aggregation Database.;Multiple lines of computational evidence support a deleterious effect on the gene or gene product.

NM_000777.5(CYP3A5):c.1123A>G (p.Arg375Gly)

Genes: CYP3A5 (cytochrome P450 family 3 subfamily A member 5; minus strand), ZSCAN25 (zinc finger and SCAN domain containing 25; plus strand). Cytogenetic location: 7q22.1.
Variant type: single nucleotide variant.
Coding change: c.1123A>G on transcript NM_000777.5 (MANE Select); coding-DNA position 1123, A replaced by G.
Protein change: p.Arg375Gly; replaces arginine 375 with glycine.
Molecular consequence: missense variant. On other transcripts: non-coding transcript variant (1), intron variant (2).
Genome position (GRCh38, 1-based): chr7:99,652,683, T>C on the plus strand (A>G on the coding strand, the complement: CYP3A5 is on the minus strand). VCF-style: chr7-99652683-T-C. GRCh37 (hg19) VCF-style: chr7-99250306-T-C.
Other names: c.784A>G, p.Arg262Gly (NM_001291829.2); c.1093A>G, p.Arg365Gly (NM_001291830.2); c.806-16412T>C (NM_001350985.2, NM_001350984.2); short protein forms R365G, R375G, R262G.
Identifiers: ClinVar variation 5007258 (VCV005007258.2).